The following is an entry in ClinVar:

NM_002439.5(MSH3):c.2731T>G (p.Leu911Val)

Gene: MSH3 (mutS homolog 3; plus strand). Cytogenetic location: 5q14.1.
Variant type: single nucleotide variant.
Coding change: c.2731T>G on transcript NM_002439.5 (MANE Select); coding-DNA position 2731, T replaced by G.
Protein change: p.Leu911Val; replaces leucine 911 with valine.
Molecular consequence: missense variant.
Genome position (GRCh38, 1-based): chr5:80,813,659, T>G. VCF-style: chr5-80813659-T-G. GRCh37 (hg19) VCF-style: chr5-80109478-T-G.
Other names: short protein forms L911V.
Identifiers: ClinVar variation 644993 (VCV000644993.13), dbSNP rs753525389, ClinGen allele CA3328338.
Genomic context (GRCh38, chr5:80,813,659, plus strand): 5'-GTAATGATAATTACCGGACCAAACATGGGTGGAAAGAGCTCCTACATAAAACAAGTTGCA[T>G]TGATTACCATCATGGCTCAGATTGGCTCCTATGTTCCTGCAGAAGAAGCGACAATTGGGA-3'
Protein context (NP_002430.3, residues 901-921): GKSSYIKQVA[Leu911Val]ITIMAQIGSY

ClinVar aggregate classification (germline): Uncertain significance. Review status: criteria provided, multiple submitters, no conflicts (2 of 4 stars). 4 submissions from 4 submitters: Uncertain significance (4). Last evaluated 2026-01-16.

Conditions:
Hereditary cancer-predisposing syndrome. Also called: Hereditary Cancer Syndrome; Tumor predisposition; Hereditary neoplastic syndrome; Neoplastic Syndromes, Hereditary. Identifiers: Orphanet 140162, MedGen C0027672, MeSH D009386, MONDO:0015356.

Allele frequency attached by ClinVar (database versions not stated): gnomAD 0.00004 and 0.00005; ExAC 0.00006; gnomAD exomes 0.00006; TOPMed 0.00007.
gnomAD v4.1: 45 of 1,614,032 alleles (0.0028%); highest among the groups gnomAD compares: East Asian, 0.096%; no homozygotes.

Submissions (4):

Labcorp Genetics (formerly Invitae), Labcorp
Classification: Uncertain significance. Last evaluated: 2026-01-16. Review status: criteria provided, single submitter. Criteria: Invitae Variant Classification Sherloc (09022015). Collection method: clinical testing. Allele origin: germline.
Comment: This sequence change replaces leucine, which is neutral and non-polar, with valine, which is neutral and non-polar, at codon 911 of the MSH3 protein (p.Leu911Val). This variant is present in population databases (rs753525389, gnomAD 0.1%). This variant has not been reported in the literature in individuals affected with MSH3-related conditions. ClinVar contains an entry for this variant (Variation ID: 644993). An algorithm developed to predict the effect of missense changes on protein structure and function (PolyPhen-2) suggests that this variant is likely to be disruptive. In summary, the available evidence is currently insufficient to determine the role of this variant in disease. Therefore, it has been classified as a Variant of Uncertain Significance.

Quest Diagnostics Nichols Institute San Juan Capistrano
Classification: Uncertain significance. Last evaluated: 2024-12-12. Review status: criteria provided, single submitter. Criteria: Quest Diagnostics criteria. Collection method: clinical testing. Allele origin: unknown.
Comment: The MSH3 c.2731T>G (p.Leu911Val) variant has been reported in the published literature in individuals with suspected Lynch syndrome (PMID: 32973888 (2020)) and nasopharyngeal carcinoma (PMID: 35954343 (2022)). The frequency of this variant in the general population (Genome Aggregation Database) is higher than would generally be expected for pathogenic variants in this gene. Analysis of this variant using bioinformatics tools for the prediction of the effect of amino acid changes on protein structure and function yielded predictions that this variant is benign. Based on the available information, we are unable to determine the clinical significance of this variant.

Ambry Genetics
Classification: Uncertain significance for Hereditary cancer-predisposing syndrome. Last evaluated: 2024-03-29. Review status: criteria provided, single submitter. Criteria: Ambry Variant Classification Scheme 2023. Collection method: clinical testing. Allele origin: germline.
Comment: The p.L911V variant (also known as c.2731T>G), located in coding exon 20 of the MSH3 gene, results from a T to G substitution at nucleotide position 2731. The leucine at codon 911 is replaced by valine, an amino acid with highly similar properties. This alteration was identified in one individual diagnosed with colorectal cancer (Xu Y et al. Front Genet, 2020 Aug;11:991). This amino acid position is highly conserved in available vertebrate species. In addition, the in silico prediction for this alteration is inconclusive. Since supporting evidence is limited at this time, the clinical significance of this alteration remains unclear.

Sema4
Classification: Uncertain significance for Hereditary cancer-predisposing syndrome. Last evaluated: 2021-11-15. Review status: criteria provided, single submitter. Criteria: Sema4 Curation Guidelines. Collection method: curation. Allele origin: germline.
Comment: To the best of our knowledge, the MSH3 c.2731T>G (p.L911V) variant has not been reported in individuals with MSH3-related disease. It was observed in 19/19952 chromosomes of the East Asian subpopulation, with no homozygotes, in the large and broad cohorts of the Genome Aggregation Database (PMID: 32461654). The variant has been reported in ClinVar (Variation ID 644993). Functional studies have not been performed, and in silico predictions of the variant's effect on protein function are inconclusive. The evidence is insufficient to meet ACMG/AMP criteria for classifying the variant as benign or pathogenic. Thus, the clinical significance of this variant is currently uncertain.

Literature cited by the submitters: PubMed 32973888 (cited by Quest Diagnostics Nichols Institute San Juan Capistrano and Ambry Genetics); PubMed 35954343 (cited by Quest Diagnostics Nichols Institute San Juan Capistrano).